The following is an entry in ClinVar:

ClinVar aggregate classification (germline): Uncertain significance (1 of 4 stars; one submission).

Conditions:
Inborn genetic diseases. Identifiers: MedGen C0950123, MeSH D030342.

Submission:

Ambry Genetics
Classification: Uncertain significance for Inborn genetic diseases. Last evaluated: 2025-10-27. Review status: criteria provided, single submitter. Criteria: Ambry Variant Classification Scheme 2023. Collection method: clinical testing. Allele origin: germline.
Comment: The p.K226N variant (also known as c.678G>C), located in coding exon 5 of the SBDS gene, results from a G to C substitution at nucleotide position 678. The lysine at codon 226 is replaced by asparagine, an amino acid with similar properties. This amino acid position is conserved. In addition, this alteration is predicted to be tolerated by in silico analysis. Based on the available evidence, the clinical significance of this variant remains unclear.

NM_016038.4(SBDS):c.678G>C (p.Lys226Asn)

Gene: SBDS (SBDS ribosome maturation factor; minus strand). Cytogenetic location: 7q11.21.
Variant type: single nucleotide variant.
Coding change: c.678G>C on transcript NM_016038.4 (MANE Select); coding-DNA position 678, G replaced by C.
Protein change: p.Lys226Asn; replaces lysine 226 with asparagine.
Molecular consequence: missense variant.
Genome position (GRCh38, 1-based): chr7:66,988,446, C>G on the plus strand (G>C on the coding strand, the complement: SBDS is on the minus strand). VCF-style: chr7-66988446-C-G. GRCh37 (hg19) VCF-style: chr7-66453433-C-G.
Other names: short protein forms K226N.
Identifiers: ClinVar variation 4630228 (VCV004630228.1).